The following is an entry in ClinVar:

ClinVar aggregate classification (germline): Uncertain significance (1 of 4 stars; one submission).

Conditions:
Brown-Vialetto-van Laere syndrome 2. Also called: SPINOCEREBELLAR ATAXIA WITH BLINDNESS AND DEAFNESS 2; Riboflavin transporter deficiency type 2. Identifiers: Orphanet 572543, Orphanet 97229, MedGen C3553538, MONDO:0013867, OMIM 614707.

gnomAD v4.1: 10 of 1,612,850 alleles (0.00062%); highest among the groups gnomAD compares: African/African-American, 0.0013%; no homozygotes.

Submission:

Labcorp Genetics (formerly Invitae), Labcorp
Classification: Uncertain significance for Brown-Vialetto-van Laere syndrome 2. Last evaluated: 2022-04-20. Review status: criteria provided, single submitter. Criteria: Invitae Variant Classification Sherloc (09022015). Collection method: clinical testing. Allele origin: germline.
Comment: This sequence change replaces arginine, which is basic and polar, with histidine, which is basic and polar, at codon 169 of the SLC52A2 protein (p.Arg169His). This variant is present in population databases (no rsID available, gnomAD 0.003%). This variant has not been reported in the literature in individuals affected with SLC52A2-related conditions. Advanced modeling of protein sequence and biophysical properties (such as structural, functional, and spatial information, amino acid conservation, physicochemical variation, residue mobility, and thermodynamic stability) performed at Invitae indicates that this missense variant is not expected to disrupt SLC52A2 protein function. In summary, the available evidence is currently insufficient to determine the role of this variant in disease. Therefore, it has been classified as a Variant of Uncertain Significance.

NM_001363118.2(SLC52A2):c.506G>A (p.Arg169His)

Gene: SLC52A2 (solute carrier family 52 member 2; plus strand). Cytogenetic location: 8q24.3.
Variant type: single nucleotide variant.
Coding change: c.506G>A on transcript NM_001363118.2 (MANE Select); coding-DNA position 506, G replaced by A.
Protein change: p.Arg169His; replaces arginine 169 with histidine.
Molecular consequence: missense variant. On other transcripts: non-coding transcript variant (1), intron variant (1).
Genome position (GRCh38, 1-based): chr8:144,359,998, G>A. VCF-style: chr8-144359998-G-A. GRCh37 (hg19) VCF-style: chr8-145583658-G-A.
Other names: c.506G>A, p.Arg169His (NM_001253815.2, NM_001253816.2, NM_001363120.2 and 2 more transcripts); c.131-117G>A (NM_001363122.2); short protein forms R169H.
Identifiers: ClinVar variation 1417746 (VCV001417746.6), dbSNP rs1554854014, ClinGen allele CA372627296.